The following is an entry in ClinVar:

NM_032578.4(MYPN):c.361A>G (p.Asn121Asp)

Gene: MYPN (myopalladin; plus strand). Cytogenetic location: 10q21.3.
Variant type: single nucleotide variant.
Coding change: c.361A>G on transcript NM_032578.4 (MANE Select); coding-DNA position 361, A replaced by G.
Protein change: p.Asn121Asp; replaces asparagine 121 with aspartic acid.
Molecular consequence: missense variant. On other transcripts: 5 prime UTR variant (1), non-coding transcript variant (1).
Genome position (GRCh38, 1-based): chr10:68,121,799, A>G. VCF-style: chr10-68121799-A-G. GRCh37 (hg19) VCF-style: chr10-69881556-A-G.
Other names: c.361A>G, p.Asn121Asp (NM_001256267.2); c.-762A>G (NM_001256268.2); short protein forms N121D.
Identifiers: ClinVar variation 1443918 (VCV001443918.6), dbSNP rs2133994576, ClinGen allele CA377104179.
Genomic context (GRCh38, chr10:68,121,799, plus strand): 5'-TCTCCTGATCAGATGAAACACTCACCTAATTTAAGTTTTGAGCCTAACTTCTGCCAGGAT[A>G]ACCCTCGAAGTCCCACCAGCTCTAAAGAAAGCCCCCAGGAGGCAAAAAGGCCACAGTATT-3'
Protein context (NP_115967.2, residues 111-131): LSFEPNFCQD[Asn121Asp]PRSPTSSKES

ClinVar aggregate classification (germline): Uncertain significance (1 of 4 stars; one submission).

Conditions:
Dilated cardiomyopathy 1KK (CMD1KK). Identifiers: Orphanet 154, Orphanet 75249, MedGen C3714995, MONDO:0014100, OMIM 615248.

Submission:

Labcorp Genetics (formerly Invitae), Labcorp
Classification: Uncertain significance for Dilated cardiomyopathy 1KK. Last evaluated: 2021-11-20. Review status: criteria provided, single submitter. Criteria: Invitae Variant Classification Sherloc (09022015). Collection method: clinical testing. Allele origin: germline.
Comment: In summary, the available evidence is currently insufficient to determine the role of this variant in disease. Therefore, it has been classified as a Variant of Uncertain Significance. Algorithms developed to predict the effect of missense changes on protein structure and function (SIFT, PolyPhen-2, Align-GVGD) all suggest that this variant is likely to be tolerated. This variant has not been reported in the literature in individuals affected with MYPN-related conditions. This variant is not present in population databases (gnomAD no frequency). This sequence change replaces asparagine, which is neutral and polar, with aspartic acid, which is acidic and polar, at codon 121 of the MYPN protein (p.Asn121Asp).